The following is an entry in ClinVar:

NM_001203.3(BMPR1B):c.762G>T (p.Arg254Ser)

Gene: BMPR1B (bone morphogenetic protein receptor type 1B; plus strand). Cytogenetic location: 4q22.3.
Variant type: single nucleotide variant.
Coding change: c.762G>T on transcript NM_001203.3 (MANE Select); coding-DNA position 762, G replaced by T.
Protein change: p.Arg254Ser; replaces arginine 254 with serine.
Molecular consequence: missense variant.
Genome position (GRCh38, 1-based): chr4:95,130,038, G>T. VCF-style: chr4-95130038-G-T. GRCh37 (hg19) VCF-style: chr4-96051189-G-T.
Other names: c.762G>T, p.Arg254Ser (NM_001256792.2, NM_001256794.1); c.852G>T, p.Arg284Ser (NM_001256793.2); short protein forms R254S, R284S.
Identifiers: ClinVar variation 350120 (VCV000350120.14), dbSNP rs200198618, ClinGen allele CA3015085.

ClinVar aggregate classification (germline): Conflicting classifications of pathogenicity. Review status: criteria provided, conflicting classifications (1 of 4 stars). 3 submissions from 3 submitters: Uncertain significance (2); Likely benign (1). Last evaluated 2023-06-20.

Conditions:
Brachydactyly. Also called: Brachydactyly syndrome; Brachydactyly (disease). Identifiers: MedGen C0221357, MONDO:0021004, HP:0001156.
Acromesomelic dysplasia 3 (AMD3). Also called: CHONDRODYSPLASIA, ACROMESOMELIC, WITH OR WITHOUT GENITAL ANOMALIES; Acromesomelic dysplasia, Demirhan type. Identifiers: MedGen C4225404, MONDO:0012274, OMIM 609441.
Type A2 brachydactyly (BDA2). Also called: BRACHYMESOPHALANGY II; MOHR-WRIEDT TYPE BRACHYDACTYLY; Brachymesophalangy type 2. Identifiers: Orphanet 93396, MedGen C1832702, MONDO:0007216, OMIM 112600, HP:0009372.
Inborn genetic diseases. Identifiers: MedGen C0950123, MeSH D030342.

Allele frequency attached by ClinVar (database versions not stated): gnomAD 0.00001; ExAC 0.00002; TOPMed 0.00002; gnomAD exomes 0.00003; ESP Exome Variant Server 0.00015.
gnomAD v4.1: 63 of 1,613,694 alleles (0.0039%); highest among the groups gnomAD compares: Non-Finnish European, 0.0052%; no homozygotes.

Submissions (3):

Labcorp Genetics (formerly Invitae), Labcorp
Classification: Uncertain significance for Type A2 brachydactyly; Acromesomelic dysplasia 3. Last evaluated: 2023-06-20. Review status: criteria provided, single submitter. Criteria: Invitae Variant Classification Sherloc (09022015). Collection method: clinical testing. Allele origin: germline.
Comment: In summary, the available evidence is currently insufficient to determine the role of this variant in disease. Therefore, it has been classified as a Variant of Uncertain Significance. Advanced modeling of protein sequence and biophysical properties (such as structural, functional, and spatial information, amino acid conservation, physicochemical variation, residue mobility, and thermodynamic stability) performed at Invitae indicates that this missense variant is expected to disrupt BMPR1B protein function. ClinVar contains an entry for this variant (Variation ID: 350120). This variant has not been reported in the literature in individuals affected with BMPR1B-related conditions. This variant is present in population databases (rs200198618, gnomAD 0.006%). This sequence change replaces arginine, which is basic and polar, with serine, which is neutral and polar, at codon 254 of the BMPR1B protein (p.Arg254Ser).

Ambry Genetics
Classification: Uncertain significance for Inborn genetic diseases. Last evaluated: 2021-06-18. Review status: criteria provided, single submitter. Criteria: Ambry Variant Classification Scheme 2023. Collection method: clinical testing. Allele origin: germline.

Illumina Laboratory Services, Illumina
Classification: Likely benign for Brachydactyly. Last evaluated: 2018-01-13. Review status: criteria provided, single submitter. Criteria: ICSL Variant Classification Criteria 13 December 2019. Collection method: clinical testing. Allele origin: germline.
Comment: This variant was observed in the ICSL laboratory as part of a predisposition screen in an ostensibly healthy population. It had not been previously curated by ICSL or reported in the Human Gene Mutation Database (HGMD: prior to June 1st, 2018), and was therefore a candidate for classification through an automated scoring system. Utilizing variant allele frequency, disease prevalence and penetrance estimates, and inheritance mode, an automated score was calculated to assess if this variant is too frequent to cause the disease. Based on the score and internal cut-off values, a variant classified as likely benign is not then subjected to further curation. The score for this variant resulted in a classification of likely benign for this disease.